The following is an entry in ClinVar:

NM_001082486.1(ACD):c.167C>T (p.Pro56Leu)

Gene: ACD (ACD shelterin complex subunit and telomerase recruitment factor; minus strand). Cytogenetic location: 16q22.1.
Variant type: single nucleotide variant.
Coding change: c.167C>T on transcript NM_001082486.1; coding-DNA position 167, C replaced by T.
Protein change: p.Pro56Leu; replaces proline 56 with leucine.
Genome position (GRCh38, 1-based): chr16:67,660,312, G>A on the plus strand (C>T on the coding strand, the complement: ACD is on the minus strand). VCF-style: chr16-67660312-G-A. GRCh37 (hg19) VCF-style: chr16-67694215-G-A.
Other names: short protein forms P56L.
Identifiers: ClinVar variation 1777871 (VCV001777871.2), dbSNP rs1442724652, ClinGen allele CA396359527.

ClinVar aggregate classification (germline): Uncertain significance (1 of 4 stars; one submission).

Conditions:
Inborn genetic diseases. Identifiers: MedGen C0950123, MeSH D030342.

Allele frequency attached by ClinVar (database versions not stated): gnomAD exomes below 0.00001.

Submission:

Ambry Genetics
Classification: Uncertain significance for Inborn genetic diseases. Last evaluated: 2021-08-19. Review status: criteria provided, single submitter. Criteria: Ambry Variant Classification Scheme 2023. Collection method: clinical testing. Allele origin: germline.
Comment: The p.P56L variant (also known as c.167C>T), located in coding exon 1 of the ACD gene, results from a C to T substitution at nucleotide position 167. The proline at codon 56 is replaced by leucine, an amino acid with similar properties. This amino acid position is conserved. In addition, this alteration is predicted to be tolerated by in silico analysis. Since supporting evidence is limited at this time, the clinical significance of this alteration remains unclear.